The following is an entry in ClinVar:

NM_021969.3(NR0B2):c.134G>C (p.Arg45Pro)

Genes: NR0B2 (nuclear receptor subfamily 0 group B member 2; minus strand), NUDC (nuclear distribution C, dynein complex regulator; plus strand). Cytogenetic location: 1p36.11.
Variant type: single nucleotide variant.
Coding change: c.134G>C on transcript NM_021969.3 (MANE Select); coding-DNA position 134, G replaced by C.
Protein change: p.Arg45Pro; replaces arginine 45 with proline.
Molecular consequence: missense variant.
Genome position (GRCh38, 1-based): chr1:26,913,807, C>G on the plus strand (G>C on the coding strand, the complement: NR0B2 is on the minus strand). VCF-style: chr1-26913807-C-G. GRCh37 (hg19) VCF-style: chr1-27240298-C-G.
Other names: short protein forms R45P.
Identifiers: ClinVar variation 3352140 (VCV003352140.2).

ClinVar aggregate classification (germline): Uncertain significance (1 of 4 stars; one submission).

Conditions:
NR0B2-related disorder. Also called: NR0B2-related condition.

gnomAD v4.1: 35 of 1,526,314 alleles (0.0023%); highest among the groups gnomAD compares: East Asian, 0.064%; no homozygotes.

Submission:

PreventionGenetics, part of Exact Sciences
Classification: Uncertain significance for NR0B2-related condition. Last evaluated: 2026-06-10. Review status: criteria provided, single submitter. Criteria: ACMG Guidelines, 2015. Collection method: clinical testing. Allele origin: germline.
Comment: The NR0B2 c.134G>C variant is predicted to result in the amino acid substitution p.Arg45Pro. To our knowledge, this variant has not been reported in the literature. This variant is reported in 0.086% of alleles in individuals of East Asian descent in gnomAD, which may be too frequent to be a primary cause of disease. Although we suspect that this variant may be benign, at this time, the clinical significance of this variant is uncertain due to the absence of conclusive functional and genetic evidence.